The following is an entry in ClinVar:

NM_001368067.1(LDB3):c.523_524delinsAC (p.Gln175Thr)

Genes: LDB3 (LIM domain binding 3; plus strand), LOC110121486 (VISTA enhancer hs2143; plus strand). Cytogenetic location: 10q23.2.
Variant type: Indel.
Coding change: c.523_524delinsAC on transcript NM_001368067.1 (MANE Plus Clinical); coding-DNA positions 523 to 524, CA replaced by AC.
Protein change: p.Gln175Thr; replaces glutamine 175 with threonine.
Molecular consequence: missense variant. On other transcripts: intron variant (5).
Genome position (GRCh38, 1-based): chr10:86,687,247-86,687,248, CA replaced by AC. VCF-style: chr10-86687247-CA-AC. GRCh37 (hg19) VCF-style: chr10-88447004-CA-AC.
Other names: p.Q175T:CAA>ACA; c.523_524delinsAC, p.Gln175Thr (NM_001080114.2, NM_001080116.1, NM_001368066.1 and 1 more transcripts); c.868_869delinsAC, p.Gln290Thr (NM_001171610.2, NM_001171611.2); c.690-4649_690-4648delinsAC (NM_001368064.1, NM_001368063.1, NM_007078.3 and 2 more transcripts); short protein forms Q175T, Q290T.
Identifiers: ClinVar variation 201858 (VCV000201858.2), dbSNP rs794729064, ClinGen allele CA308664.

ClinVar aggregate classification (germline): Uncertain significance (1 of 4 stars; one submission).

Submission:

GeneDx
Classification: Uncertain significance. Last evaluated: 2014-07-11. Review status: criteria provided, single submitter. Criteria: GeneDx Variant Classification (06012015). Collection method: clinical testing. Allele origin: germline. Affected: yes.
Comment: The c.523_524delinsAC variant has not been published as a variant, nor has it been reported as a benign polymorphism to our knowledge. The c.523_524delinsAC variant results in a substitution of a Glutamine at residue 175, changing it to a Threonine. The Q175T variant is a conservative amino acid substitution, which is not likely to impact secondary protein structure as these residues share similar properties. This substitution occurs at a position that is conserved in mammals. In silico analysis predicts this variant is probably damaging to the protein structure/function. The c.523_524delinsAC variant occurs in an alternate transcript of the LDB3 gene, where no nearby missense variants have been reported in association with cardiomyopathy. The c.523_524delinsAC variant was not observed in approximately 6,400 individuals of European and African American ancestry in the NHLBI Exome Sequencing Project, indicating it is not a common benign variant in these populations. Therefore, based on the currently available information, it is unclear whether this variant is a pathogenic variant or a rare benign variant.